The following is an entry in ClinVar:

ClinVar aggregate classification (germline): Uncertain significance (1 of 4 stars; one submission).

Conditions:
Kabuki syndrome 2 (KABUK2). Also called: KDM6A-Related Kabuki Syndrome. Identifiers: Orphanet 2322, MedGen C3275495, MONDO:0010465, OMIM 300867.

Submission:

Labcorp Genetics (formerly Invitae), Labcorp
Classification: Uncertain significance for Kabuki syndrome 2. Last evaluated: 2024-11-28. Review status: criteria provided, single submitter. Criteria: Invitae Variant Classification Sherloc (09022015). Collection method: clinical testing. Allele origin: germline.
Comment: This sequence change falls in intron 28 of the KDM6A gene. It does not directly change the encoded amino acid sequence of the KDM6A protein. This variant is not present in population databases (gnomAD no frequency). This variant has not been reported in the literature in individuals affected with KDM6A-related conditions. ClinVar contains an entry for this variant (Variation ID: 2703795). Algorithms developed to predict the effect of sequence changes on RNA splicing suggest that this variant may create or strengthen a splice site. In summary, the available evidence is currently insufficient to determine the role of this variant in disease. Therefore, it has been classified as a Variant of Uncertain Significance.

NM_001291415.2(KDM6A):c.4332+9A>C

Gene: KDM6A (lysine demethylase 6A; plus strand). Cytogenetic location: Xp11.3.
Variant type: single nucleotide variant.
Coding change: c.4332+9A>C on transcript NM_001291415.2 (MANE Select); 9 bases into the intron after coding-DNA position 4332, A replaced by C.
Molecular consequence: intron variant.
Genome position (GRCh38, 1-based): chrX:45,110,258, A>C. VCF-style: chrX-45110258-A-C. GRCh37 (hg19) VCF-style: chrX-44969503-A-C.
Other names: c.4440+9A>C (NM_001419809.1); c.4338+9A>C (NM_001419810.1); c.4230+9A>C (NM_001419813.1); c.4284+9A>C (NM_001419812.1); c.4176+9A>C (NM_021140.4); c.4182+9A>C (NM_001419814.1); c.4074+9A>C (NM_001410742.1); c.4305+9A>C (NM_001419811.1); and 5 more.
Identifiers: ClinVar variation 2703795 (VCV002703795.3), dbSNP rs761443094, ClinGen allele CA2697553092.
Genomic context (GRCh38, chrX:45,110,258, plus strand): 5'-AGAACAGTACAAAATGGAGGACCTGATGCAAGTCTATGACCAATTTACATTAGTAAGTCA[A>C]ATCAACATGTGAGTACATAGTTAGCTGGGTTATGAAGCAGCAGTGTTTGCTCTGCCACCT-3'